The following is an entry in ClinVar:

ClinVar aggregate classification (germline): Likely pathogenic (1 of 4 stars; one submission).

Conditions:
Microcephaly, growth deficiency, seizures, and brain malformations. Identifiers: MedGen C5193042, MONDO:0032690, OMIM 618346.

Allele frequency attached by ClinVar (database versions not stated): gnomAD exomes 0.00001; gnomAD 0.00004.

Submission:

Neuberg Centre For Genomic Medicine, NCGM
Classification: Likely pathogenic for Microcephaly, growth deficiency, seizures, and brain malformations. Review status: criteria provided, single submitter. Criteria: ACMG Guidelines, 2015. Collection method: clinical testing. Allele origin: germline. Inheritance: Autosomal recessive inheritance. Affected: yes.
Comment: The start loss c.1A>G (p.Met1?) variant in WDR4 gene has not been reported previously as a pathogenic variant nor as a benign variant, to our knowledge. The p.Met1? variant is novel (not in any individuals) in gnomAD Exomes and is novel (not in any individuals) in 1000 Genomes. The variant is predicted to be damaging by both SIFT and PolyPhen2. The residue is conserved across species. The nucleotide change in WDR4 is predicted as conserved by GERP++ and PhyloP across 100 vertebrates. This variant is predicted to cause loss of normal protein function through protein truncation. Loss of function variants have been previously reported to be disease causing. For these reasons, this variant has been classified as Likely Pathogenic.

NM_018669.6(WDR4):c.1A>G (p.Met1Val)

Gene: WDR4 (WDR4 tRNA N7-guanosine methyltransferase non-catalytic subunit; minus strand). Cytogenetic location: 21q22.3.
Variant type: single nucleotide variant.
Coding change: c.1A>G on transcript NM_018669.6 (MANE Select); coding-DNA position 1, A replaced by G.
Protein change: p.Met1Val; changes the start codon (methionine 1).
Molecular consequence: missense variant, initiator codon variant. On other transcripts: 5 prime UTR variant (2), intron variant (1).
Genome position (GRCh38, 1-based): chr21:42,879,495, T>C on the plus strand (A>G on the coding strand, the complement: WDR4 is on the minus strand). VCF-style: chr21-42879495-T-C. GRCh37 (hg19) VCF-style: chr21-44299605-T-C.
Other names: c.1A>G, p.Met1Val (NM_001260474.2, NM_033661.5); c.-386A>G (NM_001260475.2); c.-801A>G (NM_001260477.2); c.-298+18A>G (NM_001260476.2); short protein forms M1V.
Identifiers: ClinVar variation 2585312 (VCV002585312.1), dbSNP rs1021769927, ClinGen allele CA321626992.